The following is an entry in ClinVar:

NC_000002.12:g.(?_165991225)_(166048969_?)del

Gene: SCN1A (sodium voltage-gated channel alpha subunit 1; minus strand). Cytogenetic location: 2q24.3.
Variant type: Deletion.
Identifiers: ClinVar variation 832804 (VCV000832804.4).

ClinVar aggregate classification (germline): Pathogenic (1 of 4 stars; one submission).

Conditions:
Developmental and epileptic encephalopathy. Identifiers: MedGen C5779964, MONDO:0100620.

Submission:

Labcorp Genetics (formerly Invitae), Labcorp
Classification: Pathogenic for Early-infantile DEE. Last evaluated: 2022-03-23. Review status: criteria provided, single submitter. Criteria: Invitae Variant Classification Sherloc (09022015). Collection method: clinical testing. Allele origin: germline.
Comment: For these reasons, this variant has been classified as Pathogenic. This variant disrupts a region of the SCN1A protein in which other variant(s) (p.Arg1912*) have been determined to be pathogenic (PMID: 14738421, 20522430, 23195492). This suggests that this is a clinically significant region of the protein, and that variants that disrupt it are likely to be disease-causing. A similar copy number variant has been observed in individual(s) with Dravet syndrome (PMID: 19400878). This variant is a gross deletion of the genomic region encompassing exon(s) 7-26 of the SCN1A gene, which includes the termination codon. This deletion extends beyond the assayed region for this gene and therefore may encompass additional genes. While this deletion is not anticipated to lead to nonsense mediated decay, it is expected to alter mRNA translation or result in a truncated protein product.

Literature cited by the submitters: PubMed 14738421; PubMed 20522430; PubMed 23195492; PubMed 19400878.